The following is an entry in ClinVar:

ClinVar aggregate classification (germline): Uncertain significance. Review status: criteria provided, multiple submitters, no conflicts (2 of 4 stars). 7 submissions from 7 submitters: Uncertain significance (7). Last evaluated 2025-12-29.

Conditions:
Hereditary cancer-predisposing syndrome. Also called: Neoplastic Syndromes, Hereditary; Hereditary Cancer Syndrome; Hereditary neoplastic syndrome; Tumor predisposition. Identifiers: Orphanet 140162, MedGen C0027672, MeSH D009386, MONDO:0015356.
Familial cancer of breast. Also called: BREAST CANCER, FAMILIAL; hereditary breast carcinoma; Hereditary breast cancer. Identifiers: Orphanet 227535, MedGen C0346153, MONDO:0016419, OMIM 114480. Disease mechanism: loss of function.
BARD1-related cancer predisposition. Identifiers: MedGen CN377756, MONDO:0700267.

Allele frequency attached by ClinVar (database versions not stated): gnomAD exomes below 0.00001; TOPMed below 0.00001.
gnomAD v4.1: 3 of 1,613,782 alleles (0.00019%); highest among the groups gnomAD compares: Non-Finnish European, 0.00017%; no homozygotes.

Submissions (7):

Center for Genomic Medicine, Rigshospitalet, Copenhagen University Hospital
Classification: Uncertain significance. Last evaluated: 2025-12-29. Review status: criteria provided, single submitter. Criteria: ACMG Guidelines, 2015. Collection method: clinical testing. Allele origin: germline.

Labcorp Genetics (formerly Invitae), Labcorp
Classification: Uncertain significance for Familial cancer of breast. Last evaluated: 2025-11-30. Review status: criteria provided, single submitter. Criteria: Invitae Variant Classification Sherloc (09022015). Collection method: clinical testing. Allele origin: germline.
Comment: This sequence change replaces glutamine, which is neutral and polar, with proline, which is neutral and non-polar, at codon 164 of the BARD1 protein (p.Gln164Pro). This variant is not present in population databases (gnomAD no frequency). This missense change has been observed in individual(s) with breast cancer (PMID: 35264596). ClinVar contains an entry for this variant (Variation ID: 479122). An algorithm developed to predict the effect of missense changes on protein structure and function outputs the following: PolyPhen-2: "Benign". The proline amino acid residue is found in multiple mammalian species, which suggests that this missense change does not adversely affect protein function. In summary, the available evidence is currently insufficient to determine the role of this variant in disease. Therefore, it has been classified as a Variant of Uncertain Significance.

Color Diagnostics, LLC DBA Color Health
Classification: Uncertain significance for Hereditary cancer-predisposing syndrome. Last evaluated: 2024-03-06. Review status: criteria provided, single submitter. Criteria: ACMG Guidelines, 2015. Collection method: clinical testing. Allele origin: germline.
Comment: This missense variant replaces glutamine with proline at codon 164 of the BARD1 protein. Computational prediction suggests that this variant may not impact protein structure and function (internally defined REVEL score threshold <= 0.5, PMID: 27666373). To our knowledge, functional studies have not been reported for this variant. This variant has not been reported in individuals affected with hereditary cancer in the literature. This variant has not been identified in the general population by the Genome Aggregation Database (gnomAD). The available evidence is insufficient to determine the role of this variant in disease conclusively. Therefore, this variant is classified as a Variant of Uncertain Significance.

Baylor Genetics
Classification: Uncertain significance for Familial cancer of breast. Last evaluated: 2024-02-05. Review status: criteria provided, single submitter. Criteria: ACMG Guidelines, 2015. Collection method: clinical testing. Allele origin: unknown.

Ambry Genetics
Classification: Uncertain significance for Hereditary cancer-predisposing syndrome. Last evaluated: 2023-11-02. Review status: criteria provided, single submitter. Criteria: Ambry Variant Classification Scheme 2023. Collection method: clinical testing. Allele origin: germline.
Comment: The p.Q164P variant (also known as c.491A>C), located in coding exon 4 of the BARD1 gene, results from an A to C substitution at nucleotide position 491. The glutamine at codon 164 is replaced by proline, an amino acid with similar properties. This alteration was detected in a cohort of 1663 Brazilian breast cancer patients who underwent hereditary multigene panel testing (Guindalini RSC et al. Sci Rep, 2022 Mar;12:4190). This amino acid position is not well conserved in available vertebrate species. In addition, the in silico prediction for this alteration is inconclusive. Since supporting evidence is limited at this time, the clinical significance of this alteration remains unclear.

Department of Pathology and Laboratory Medicine, Sinai Health System
Classification: Uncertain significance for BARD1-related cancer predisposition. Last evaluated: 2023-04-06. Review status: criteria provided, single submitter. Criteria: ACMG Guidelines, 2015. Collection method: clinical testing. Allele origin: germline. Affected: no.

Mendelics
Classification: Uncertain significance for Familial cancer of breast. Last evaluated: 2018-07-02. Review status: criteria provided, single submitter. Criteria: Mendelics Assertion Criteria 2017. Collection method: clinical testing. Allele origin: unknown.

Literature cited by the submitters: PubMed 35264596 (cited by Labcorp Genetics (formerly Invitae), Labcorp and Ambry Genetics).

NM_000465.4(BARD1):c.491A>C (p.Gln164Pro)

Gene: BARD1 (BRCA1 associated RING domain 1; minus strand). Cytogenetic location: 2q35.
Variant type: single nucleotide variant.
Coding change: c.491A>C on transcript NM_000465.4 (MANE Select); coding-DNA position 491, A replaced by C.
Protein change: p.Gln164Pro; replaces glutamine 164 with proline.
Molecular consequence: missense variant. On other transcripts: non-coding transcript variant (2), intron variant (3).
Genome position (GRCh38, 1-based): chr2:214,781,383, T>G on the plus strand (A>C on the coding strand, the complement: BARD1 is on the minus strand). VCF-style: chr2-214781383-T-G. GRCh37 (hg19) VCF-style: chr2-215646107-T-G.
Other names: c.434A>C, p.Gln145Pro (NM_001282543.2); c.158+28029A>C (NM_001282548.2); c.215+15678A>C (NM_001282545.2); c.364+10914A>C (NM_001282549.2); short protein forms Q164P, Q145P.
Identifiers: ClinVar variation 479122 (VCV000479122.24), dbSNP rs980413835, ClinGen allele CA64789131.